The following is an entry in ClinVar:

NM_018124.4(RFWD3):c.272_273del (p.Val91fs)

Gene: RFWD3 (ring finger and WD repeat domain 3; minus strand). Cytogenetic location: 16q23.1.
Variant type: Microsatellite.
Coding change: c.272_273del on transcript NM_018124.4 (MANE Select); coding-DNA positions 272 to 273, 2 bases deleted (TG; older notation c.272_273delTG).
Protein change: p.Val91fs; shifts the reading frame from valine 91.
Molecular consequence: frameshift variant. On other transcripts: 5 prime UTR variant (4), intron variant (1).
Genome position (GRCh38, 1-based): chr16:74,661,177-74,661,178, CA deleted on the plus strand (TG on the coding strand, the reverse complement: RFWD3 is on the minus strand); deleting any 2 consecutive bases within chr16:74,661,177-74,661,180 gives the same sequence; the c. name uses the placement nearest the transcript's 3' end. VCF-style (leftmost placement, unchanged base first): chr16-74661176-CCA-C. GRCh37 (hg19) VCF-style: chr16-74695074-CCA-C.
Other names: c.272_273del, p.Val91fs (NM_001370534.1, NM_001370535.1, NM_001370536.1); c.-739TG[1] (NM_001370537.1); c.-362TG[1] (NM_001370539.1); c.-616TG[1] (NM_001370542.1); c.-494TG[1] (NM_001370543.1); c.-317+3446_-317+3447del (NM_001370540.1); short protein forms V91fs.
Identifiers: ClinVar variation 4774392 (VCV004774392.1).

ClinVar aggregate classification (germline): Uncertain significance (1 of 4 stars; one submission).

Submission:

Labcorp Genetics (formerly Invitae), Labcorp
Classification: Uncertain significance. Last evaluated: 2025-06-17. Review status: criteria provided, single submitter. Criteria: Invitae Variant Classification Sherloc (09022015). Collection method: clinical testing. Allele origin: germline.
Comment: This sequence change creates a premature translational stop signal (p.Val91Glyfs*12) in the RFWD3 gene. It is expected to result in an absent or disrupted protein product. However, the current clinical and genetic evidence is not sufficient to establish whether loss-of-function variants in RFWD3 cause disease. This variant is not present in population databases (gnomAD no frequency). This variant has not been reported in the literature in individuals affected with RFWD3-related conditions. In summary, the available evidence is currently insufficient to determine the role of this variant in disease. Therefore, it has been classified as a Variant of Uncertain Significance.